The following is an entry in ClinVar:

NM_001378454.1(ALMS1):c.4862dup (p.Glu1622fs)

Gene: ALMS1 (ALMS1 centrosome and basal body associated protein; plus strand). Cytogenetic location: 2p13.1.
Variant type: Duplication.
Coding change: c.4862dup on transcript NM_001378454.1 (MANE Select); coding-DNA position 4862, one base duplicated (G; older notation c.4862dupG).
Protein change: p.Glu1622fs; shifts the reading frame from glutamic acid 1622.
Molecular consequence: frameshift variant.
Genome position (GRCh38, 1-based): chr2:73,451,389, G duplicated; the last of 2 consecutive G bases (chr2:73,451,388-73,451,389); duplicating either gives the same sequence. VCF-style (leftmost placement, unchanged base first): chr2-73451387-T-TG. GRCh37 (hg19) VCF-style: chr2-73678514-T-TG.
Other names: c.4865dup, p.Glu1623fs (NM_015120.4); short protein forms E1622fs, E1623fs.
Identifiers: ClinVar variation 4815789 (VCV004815789.1).

ClinVar aggregate classification (germline): Likely pathogenic (1 of 4 stars; one submission).

Conditions:
Alstrom syndrome (ALMS). Identifiers: Orphanet 64, MedGen C0268425, MONDO:0008763, OMIM 203800.

Submission:

Natera, Inc.
Classification: Likely pathogenic for Alstrom syndrome. Last evaluated: 2025-12-18. Review status: criteria provided, single submitter. Criteria: Natera Variant Classification Schema (03/2026). Collection method: clinical testing. Allele origin: germline.
Comment: The c.4865dup variant in ALMS1 is a frameshift variant predicted to shift the reading frame beginning at codon 1623 and leads to a stop codon 18 codons downstream. This variant is expected to result in nonsense mediated decay, truncation, or a dysfunctional protein product. This variant is rare in the general population with a frequency below the threshold expected for the associated phenotype(s). Given the available evidence, this variant is classified as Likely Pathogenic.